The following is an entry in ClinVar:

ClinVar aggregate classification (germline): Uncertain significance (1 of 4 stars; one submission).

Conditions:
DIP2B-related disorder. Also called: DIP2B-related condition.

Submission:

PreventionGenetics, part of Exact Sciences
Classification: Uncertain significance for DIP2B-related condition. Last evaluated: 2023-01-06. Review status: criteria provided, single submitter. Criteria: ACMG Guidelines, 2015. Collection method: clinical testing. Allele origin: germline.
Comment: The DIP2B c.3025dupA variant is predicted to result in a frameshift and premature protein termination (p.Met1009Asnfs*20). To our knowledge, this variant has not been reported in the literature or in a large population database, indicating this variant is rare. At this time, the clinical significance of this variant is uncertain due to the absence of conclusive functional and genetic evidence.

NM_173602.3(DIP2B):c.3025dup (p.Met1009fs)

Gene: DIP2B (disco interacting protein 2 homolog B; plus strand). Cytogenetic location: 12q13.12.
Variant type: Duplication.
Coding change: c.3025dup on transcript NM_173602.3 (MANE Select); coding-DNA position 3025, one base duplicated (A; older notation c.3025dupA).
Protein change: p.Met1009fs; shifts the reading frame from methionine 1009.
Molecular consequence: frameshift variant.
Genome position (GRCh38, 1-based): chr12:50,719,018, A duplicated. VCF-style (leftmost placement, unchanged base first): chr12-50719017-C-CA. GRCh37 (hg19) VCF-style: chr12-51112800-C-CA.
Other names: short protein forms M1009fs.
Identifiers: ClinVar variation 2629597 (VCV002629597.1), dbSNP rs2540150610, ClinGen allele CA2695199087.